The following is an entry in ClinVar:

NM_006031.6(PCNT):c.7251C>T (p.Ser2417=)

Gene: PCNT (pericentrin; plus strand). Cytogenetic location: 21q22.3.
Variant type: single nucleotide variant.
Coding change: c.7251C>T on transcript NM_006031.6 (MANE Select); coding-DNA position 7251, C replaced by T.
Protein change: p.Ser2417=; no amino-acid change (serine 2417 retained).
Molecular consequence: synonymous variant.
Genome position (GRCh38, 1-based): chr21:46,425,902, C>T. VCF-style: chr21-46425902-C-T. GRCh37 (hg19) VCF-style: chr21-47845816-C-T.
Other names: c.6897C>T, p.Ser2299= (NM_001315529.2); c.7251C>T (NM_006031.5).
Identifiers: ClinVar variation 2893278 (VCV002893278.5), dbSNP rs375281929, ClinGen allele CA10080584.
Genomic context (GRCh38, chr21:46,425,902, plus strand): 5'-GATGGTGCGTGACGAGAGCCACCAGATCCTGGCGCTGTCAGAAGGCCTTGCACCCCCAAG[C>T]GGCGAGCCACACCCACCCCGGAAGGAAGACGAGATACAGGACATCTCGCTCCATGGGGGA-3'
Protein context (NP_006022.3, residues 2407-2427): LALSEGLAPP[Ser2417=]GEPHPPRKED

ClinVar aggregate classification (germline): Likely benign. Review status: criteria provided, single submitter (1 of 4 stars). 2 submissions from 2 submitters: Likely benign (1). 1 of the submissions does not count toward it. Last evaluated 2024-08-18.

Conditions:
PCNT-related disorder. Also called: PCNT-related condition.

Allele frequency attached by ClinVar (database versions not stated): TOPMed 0.00001; ExAC 0.00002; gnomAD 0.00002; ESP Exome Variant Server 0.00015.
gnomAD v4.1: 32 of 1,613,822 alleles (0.002%); highest among the groups gnomAD compares: Middle Eastern, 0.016%; no homozygotes.

Submissions (2):

Labcorp Genetics (formerly Invitae), Labcorp
Classification: Likely benign. Last evaluated: 2024-08-18. Review status: criteria provided, single submitter. Criteria: Invitae Variant Classification Sherloc (09022015). Collection method: clinical testing. Allele origin: germline.

PreventionGenetics, part of Exact Sciences
Classification: Likely benign for PCNT-related condition. Last evaluated: 2022-08-05. Review status: no assertion criteria provided. Collection method: clinical testing. Allele origin: germline. Not counted in ClinVar's aggregate classification.
Comment: This variant is classified as likely benign based on ACMG/AMP sequence variant interpretation guidelines (Richards et al. 2015 PMID: 25741868, with internal and published modifications).